The following is an entry in ClinVar:

NM_002180.3(IGHMBP2):c.367G>C (p.Asp123His)

Gene: IGHMBP2 (immunoglobulin mu DNA binding protein 2; plus strand). Cytogenetic location: 11q13.3.
Variant type: single nucleotide variant.
Coding change: c.367G>C on transcript NM_002180.3 (MANE Select); coding-DNA position 367, G replaced by C.
Protein change: p.Asp123His; replaces aspartic acid 123 with histidine.
Molecular consequence: missense variant.
Genome position (GRCh38, 1-based): chr11:68,908,255, G>C. VCF-style: chr11-68908255-G-C. GRCh37 (hg19) VCF-style: chr11-68675723-G-C.
Other names: c.367G>C (NM_002180.2); short protein forms D123H.
Identifiers: ClinVar variation 1040328 (VCV001040328.7), dbSNP rs1004055119, ClinGen allele CA381643225.
Genomic context (GRCh38, chr11:68,908,255, plus strand): 5'-ACTGGGATCTTGACCCGGGTCACCCAGAAGTCGGTCACGGTGGCCTTTGATGAGTCCCAC[G>C]ATTTCCAGTTGAGCTTGGACCGAGAGAATTCCTACAGACTGTTAAAACTTGCCAATGATG-3'
Protein context (NP_002171.2, residues 113-133): SVTVAFDESH[Asp123His]FQLSLDRENS

ClinVar aggregate classification (germline): Uncertain significance. Review status: criteria provided, multiple submitters, no conflicts (2 of 4 stars). 2 submissions from 2 submitters: Uncertain significance (2). Last evaluated 2025-08-29.

Conditions:
Autosomal recessive distal spinal muscular atrophy 1. Also called: SEVERE INFANTILE AXONAL NEUROPATHY WITH RESPIRATORY FAILURE; Spinal muscular atrophy with respiratory distress 1; HMN VI; NEURONOPATHY, SEVERE INFANTILE AXONAL, WITH RESPIRATORY FAILURE; SPINAL MUSCULAR ATROPHY, DIAPHRAGMATIC; NEURONOPATHY, DISTAL HEREDITARY MOTOR, HARDING TYPE VI. Identifiers: Orphanet 98920, MedGen C1858517, MONDO:0011436, OMIM 604320.
Charcot-Marie-Tooth disease axonal type 2S. Also called: CHARCOT-MARIE-TOOTH NEUROPATHY, TYPE 2S; CHARCOT-MARIE-TOOTH DISEASE, AXONAL, AUTOSOMAL RECESSIVE, TYPE 2S. Identifiers: Orphanet 443073, MedGen C4015349, MONDO:0014511, OMIM 616155.
Inborn genetic diseases. Identifiers: MedGen C0950123, MeSH D030342.

Allele frequency attached by ClinVar (database versions not stated): TOPMed 0.00002.
gnomAD v4.1: 15 of 1,613,944 alleles (0.00093%); highest among the groups gnomAD compares: East Asian, 0.027%; no homozygotes.

Submissions (2):

Ambry Genetics
Classification: Uncertain significance for Inborn genetic diseases. Last evaluated: 2025-08-29. Review status: criteria provided, single submitter. Criteria: Ambry Variant Classification Scheme 2023. Collection method: clinical testing. Allele origin: germline.

Labcorp Genetics (formerly Invitae), Labcorp
Classification: Uncertain significance for Autosomal recessive distal spinal muscular atrophy 1; Charcot-Marie-Tooth disease axonal type 2S. Last evaluated: 2021-08-28. Review status: criteria provided, single submitter. Criteria: Invitae Variant Classification Sherloc (09022015). Collection method: clinical testing. Allele origin: germline.
Comment: This sequence change replaces aspartic acid with histidine at codon 123 of the IGHMBP2 protein (p.Asp123His). The aspartic acid residue is moderately conserved and there is a moderate physicochemical difference between aspartic acid and histidine. This variant is not present in population databases (ExAC no frequency). This variant has not been reported in the literature in individuals affected with IGHMBP2-related conditions. Advanced modeling of protein sequence and biophysical properties (such as structural, functional, and spatial information, amino acid conservation, physicochemical variation, residue mobility, and thermodynamic stability) performed at Invitae indicates that this missense variant is not expected to disrupt IGHMBP2 protein function. In summary, the available evidence is currently insufficient to determine the role of this variant in disease. Therefore, it has been classified as a Variant of Uncertain Significance.